The following is an entry in ClinVar:

ClinVar aggregate classification (germline): Uncertain significance. Review status: criteria provided, multiple submitters, no conflicts (2 of 4 stars). 2 submissions from 2 submitters: Uncertain significance (2). Last evaluated 2025-04-12.

Conditions:
Arrhythmogenic right ventricular dysplasia 13. Also called: ARRHYTHMOGENIC RIGHT VENTRICULAR CARDIOMYOPATHY 13; Arrhythmogenic right ventricular dysplasia, familial, 13. Identifiers: MedGen C3810138, MONDO:0000908, OMIM 615616.

Allele frequency attached by ClinVar (database versions not stated): ExAC 0.00002; gnomAD 0.00002; gnomAD exomes 0.00002 and 0.00007; TOPMed 0.00002; ESP Exome Variant Server 0.00008.
gnomAD v4.1: 104 of 1,612,448 alleles (0.0064%); highest among the groups gnomAD compares: Non-Finnish European, 0.0086%; no homozygotes.

Submissions (2):

Ambry Genetics
Classification: Uncertain significance. Last evaluated: 2025-04-12. Review status: criteria provided, single submitter. Criteria: Ambry Variant Classification Scheme 2023. Collection method: clinical testing. Allele origin: germline.
Comment: The p.A468T variant (also known as c.1402G>A), located in coding exon 10 of the CTNNA3 gene, results from a G to A substitution at nucleotide position 1402. The alanine at codon 468 is replaced by threonine, an amino acid with similar properties. This amino acid position is conserved. In addition, this alteration is predicted to be tolerated by in silico analysis. Since supporting evidence is limited at this time, the clinical significance of this alteration remains unclear.

Labcorp Genetics (formerly Invitae), Labcorp
Classification: Uncertain significance for Arrhythmogenic right ventricular dysplasia 13. Last evaluated: 2025-02-09. Review status: criteria provided, single submitter. Criteria: Invitae Variant Classification Sherloc (09022015). Collection method: clinical testing. Allele origin: germline.
Comment: This sequence change replaces alanine, which is neutral and non-polar, with threonine, which is neutral and polar, at codon 468 of the CTNNA3 protein (p.Ala468Thr). This variant is present in population databases (rs151007312, gnomAD 0.004%). This variant has not been reported in the literature in individuals affected with CTNNA3-related conditions. ClinVar contains an entry for this variant (Variation ID: 568270). Invitae Evidence Modeling of protein sequence and biophysical properties (such as structural, functional, and spatial information, amino acid conservation, physicochemical variation, residue mobility, and thermodynamic stability) indicates that this missense variant is not expected to disrupt CTNNA3 protein function with a negative predictive value of 80%. In summary, the available evidence is currently insufficient to determine the role of this variant in disease. Therefore, it has been classified as a Variant of Uncertain Significance.

NM_013266.4(CTNNA3):c.1402G>A (p.Ala468Thr)

Gene: CTNNA3 (catenin alpha 3; minus strand). Cytogenetic location: 10q21.3.
Variant type: single nucleotide variant.
Coding change: c.1402G>A on transcript NM_013266.4 (MANE Select); coding-DNA position 1402, G replaced by A.
Protein change: p.Ala468Thr; replaces alanine 468 with threonine.
Molecular consequence: missense variant.
Genome position (GRCh38, 1-based): chr10:66,520,746, C>T on the plus strand (G>A on the coding strand, the complement: CTNNA3 is on the minus strand). VCF-style: chr10-66520746-C-T. GRCh37 (hg19) VCF-style: chr10-68280504-C-T.
Other names: c.1402G>A, p.Ala468Thr (NM_001127384.3); c.1402G>A (NM_013266.2); short protein forms A468T.
Identifiers: ClinVar variation 568270 (VCV000568270.9), dbSNP rs151007312, ClinGen allele CA5519962.
Genomic context (GRCh38, chr10:66,520,746, plus strand): 5'-TCTCCCATGTACGCTTGTACATTTCCATGGTGTTTTTGACCGCTTGACTTTTGGGTCTTG[C>T]AGCCAAAGCAAGTGCAGCATTAATAATCTATAAAGATAAGGATTGAAAAAATTACCTATT-3'
Protein context (NP_037398.2, residues 458-478): QIINAALALA[Ala468Thr]RPKSQAVKNT